The following is an entry in ClinVar:

ClinVar aggregate classification (germline): Uncertain significance. Review status: criteria provided, multiple submitters, no conflicts (2 of 4 stars). 2 submissions from 2 submitters: Uncertain significance (2). Last evaluated 2025-04-02.

Allele frequency attached by ClinVar (database versions not stated): gnomAD 0.00001; TOPMed 0.00002.
gnomAD v4.1: 3 of 1,103,028 alleles (0.00027%); highest among the groups gnomAD compares: East Asian, 0.015%; no homozygotes.

Submissions (2):

Labcorp Genetics (formerly Invitae), Labcorp
Classification: Uncertain significance. Last evaluated: 2025-04-02. Review status: criteria provided, single submitter. Criteria: Invitae Variant Classification Sherloc (09022015). Collection method: clinical testing. Allele origin: germline.
Comment: This sequence change replaces proline, which is neutral and non-polar, with glutamine, which is neutral and polar, at codon 63 of the GALNT12 protein (p.Pro63Gln). This variant is present in population databases (no rsID available, gnomAD 0.06%). This variant has not been reported in the literature in individuals affected with GALNT12-related conditions. ClinVar contains an entry for this variant (Variation ID: 485658). Experimental studies and prediction algorithms are not available or were not evaluated, and the functional significance of this variant is currently unknown. In summary, the available evidence is currently insufficient to determine the role of this variant in disease. Therefore, it has been classified as a Variant of Uncertain Significance.

Ambry Genetics
Classification: Uncertain significance. Last evaluated: 2024-04-11. Review status: criteria provided, single submitter. Criteria: Ambry Variant Classification Scheme 2023. Collection method: clinical testing. Allele origin: germline.
Comment: The p.P63Q variant (also known as c.188C>A), located in coding exon 1 of the GALNT12 gene, results from a C to A substitution at nucleotide position 188. The proline at codon 63 is replaced by glutamine, an amino acid with similar properties. This amino acid position is highly conserved in available vertebrate species. In addition, this alteration is predicted to be tolerated by in silico analysis. The evidence for this gene-disease relationship is limited; therefore, the clinical significance of this alteration is unclear.

NM_024642.5(GALNT12):c.188C>A (p.Pro63Gln)

Gene: GALNT12 (polypeptide N-acetylgalactosaminyltransferase 12; plus strand). Cytogenetic location: 9q22.33.
Variant type: single nucleotide variant.
Coding change: c.188C>A on transcript NM_024642.5 (MANE Select); coding-DNA position 188, C replaced by A.
Protein change: p.Pro63Gln; replaces proline 63 with glutamine.
Molecular consequence: missense variant.
Genome position (GRCh38, 1-based): chr9:98,807,886, C>A. VCF-style: chr9-98807886-C-A. GRCh37 (hg19) VCF-style: chr9-101570168-C-A.
Other names: short protein forms P63Q.
Identifiers: ClinVar variation 485658 (VCV000485658.12), dbSNP rs1481280788, ClinGen allele CA374222484.